The following is an entry in ClinVar:

ClinVar aggregate classification (germline): Uncertain significance. Review status: criteria provided, multiple submitters, no conflicts (2 of 4 stars). 2 submissions from 2 submitters: Uncertain significance (2). Last evaluated 2024-06-30.

Conditions:
Spinocerebellar ataxia 49 (SCA49). Identifiers: Orphanet 631106, MedGen C5676950, MONDO:0030805, OMIM 619806.

Allele frequency attached by ClinVar (database versions not stated): gnomAD exomes below 0.00001; TOPMed below 0.00001; ExAC 0.00001; gnomAD 0.00001.

Submissions (2):

Labcorp Genetics (formerly Invitae), Labcorp
Classification: Uncertain significance. Last evaluated: 2024-06-30. Review status: criteria provided, single submitter. Criteria: Invitae Variant Classification Sherloc (09022015). Collection method: clinical testing. Allele origin: germline.
Comment: This sequence change replaces proline, which is neutral and non-polar, with threonine, which is neutral and polar, at codon 167 of the SAMD9L protein (p.Pro167Thr). This variant is present in population databases (rs766751762, gnomAD 0.002%). This variant has not been reported in the literature in individuals affected with SAMD9L-related conditions. ClinVar contains an entry for this variant (Variation ID: 1705666). An algorithm developed to predict the effect of missense changes on protein structure and function (PolyPhen-2) suggests that this variant is likely to be disruptive. In summary, the available evidence is currently insufficient to determine the role of this variant in disease. Therefore, it has been classified as a Variant of Uncertain Significance.

3billion
Classification: Uncertain significance for Spinocerebellar ataxia 49. Last evaluated: 2022-09-01. Review status: criteria provided, single submitter. Criteria: ACMG Guidelines, 2015. Collection method: clinical testing. Allele origin: germline. Affected: yes. Observed: 1 heterozygote.
Comment: The variant is observed at an extremely low frequency in the gnomAD v2.1.1 dataset (total allele frequency: <0.001%). Missense changes are a common disease-causing mechanism. In silico tool predictions suggest damaging effect of the variant on gene or gene product (3Cnet: 0.84). Therefore, this variant is classified as uncertain significance according to the recommendation of ACMG/AMP guideline.

NM_152703.5(SAMD9L):c.499C>A (p.Pro167Thr)

Gene: SAMD9L (sterile alpha motif domain containing 9 like; minus strand). Cytogenetic location: 7q21.2.
Variant type: single nucleotide variant.
Coding change: c.499C>A on transcript NM_152703.5 (MANE Select); coding-DNA position 499, C replaced by A.
Protein change: p.Pro167Thr; replaces proline 167 with threonine.
Molecular consequence: missense variant.
Genome position (GRCh38, 1-based): chr7:93,135,473, G>T on the plus strand (C>A on the coding strand, the complement: SAMD9L is on the minus strand). VCF-style: chr7-93135473-G-T. GRCh37 (hg19) VCF-style: chr7-92764786-G-T.
Other names: c.499C>A, p.Pro167Thr (NM_001303496.3, NM_001303497.3, NM_001303498.3 and 5 more transcripts); short protein forms P167T.
Identifiers: ClinVar variation 1705666 (VCV001705666.6), dbSNP rs766751762, ClinGen allele CA4343863.